The following is an entry in ClinVar:

ClinVar aggregate classification (germline): Uncertain significance (1 of 4 stars; one submission).

Conditions:
Hereditary cancer-predisposing syndrome. Also called: Tumor predisposition; Neoplastic Syndromes, Hereditary; Hereditary neoplastic syndrome; Hereditary Cancer Syndrome. Identifiers: Orphanet 140162, MedGen C0027672, MeSH D009386, MONDO:0015356.

Submission:

Ambry Genetics
Classification: Uncertain significance for Hereditary cancer-predisposing syndrome. Last evaluated: 2025-08-27. Review status: criteria provided, single submitter. Criteria: Ambry Variant Classification Scheme 2023. Collection method: clinical testing. Allele origin: germline.
Comment: The p.S102R variant (also known as c.306C>A), located in coding exon 3 of the MUTYH gene, results from a C to A substitution at nucleotide position 306. The serine at codon 102 is replaced by arginine, an amino acid with dissimilar properties. This amino acid position is conserved. In addition, the in silico prediction for this alteration is inconclusive. Based on the available evidence, the clinical significance of this variant remains unclear.

NM_001048174.2(MUTYH):c.222C>A (p.Ser74Arg)

Gene: MUTYH (mutY DNA glycosylase; minus strand). Cytogenetic location: 1p34.1.
Variant type: single nucleotide variant.
Coding change: c.222C>A on transcript NM_001048174.2 (MANE Select); coding-DNA position 222, C replaced by A.
Protein change: p.Ser74Arg; replaces serine 74 with arginine.
Molecular consequence: missense variant. On other transcripts: 5 prime UTR variant (6), non-coding transcript variant (7).
Genome position (GRCh38, 1-based): chr1:45,333,455, G>T on the plus strand (C>A on the coding strand, the complement: MUTYH is on the minus strand). VCF-style: chr1-45333455-G-T. GRCh37 (hg19) VCF-style: chr1-45799127-G-T.
Other names: c.222C>A, p.Ser74Arg (NM_001048171.2, NM_001048173.2, NM_001407072.1 and 6 more transcripts); c.225C>A, p.Ser75Arg (NM_001048172.2, NM_001407078.1, NM_001407079.1 and 2 more transcripts); c.264C>A, p.Ser88Arg (NM_001407073.1, NM_001407083.1, NM_001407085.1); c.138C>A, p.Ser46Arg (NM_001407075.1); c.255C>A, p.Ser85Arg (NM_001407077.1, NM_001293191.2); c.-50C>A (NM_001407082.1, NM_001350650.2, NM_001350651.2); c.306C>A, p.Ser102Arg (NM_001128425.2); c.267C>A, p.Ser89Arg (NM_001293190.2); and 3 more; short protein forms S74R, S81R, S85R, S75R, S89R, S46R, S102R, S88R.
Identifiers: ClinVar variation 4112864 (VCV004112864.1).